The following is an entry in ClinVar:

ClinVar aggregate classification (germline): Likely benign (1 of 4 stars; one submission).

Submission:

GeneDx
Classification: Likely benign. Last evaluated: 2017-06-30. Review status: criteria provided, single submitter. Criteria: GeneDx Variant Classification (06012015). Collection method: clinical testing. Allele origin: germline. Affected: yes.
Comment: This variant is considered likely benign or benign based on one or more of the following criteria: it is a conservative change, it occurs at a poorly conserved position in the protein, it is predicted to be benign by multiple in silico algorithms, and/or has population frequency not consistent with disease.

NM_001323289.2(CDKL5):c.404-16del

Gene: CDKL5 (cyclin dependent kinase like 5; plus strand). Cytogenetic location: Xp22.13.
Variant type: Deletion.
Coding change: c.404-16del on transcript NM_001323289.2 (MANE Select); 16 bases into the intron before coding-DNA position 404, one base deleted (T; older notation c.404-16delT).
Molecular consequence: intron variant.
Genome position (GRCh38, 1-based): chrX:18,581,875, T deleted; the last of 10 consecutive T bases (chrX:18,581,866-18,581,875); deleting any one gives the same sequence. VCF-style (leftmost placement, unchanged base first): chrX-18581865-AT-A. GRCh37 (hg19) VCF-style: chrX-18599985-AT-A.
Other names: c.404-16delT (NM_003159.2); c.404-16del (NM_003159.3, NM_001037343.2).
Identifiers: ClinVar variation 506553 (VCV000506553.1), dbSNP rs748656624, ClinGen allele CA10360258.